The following is an entry in ClinVar:

NM_152424.4(AMER1):c.1679G>A (p.Arg560Gln)

Gene: AMER1 (APC membrane recruitment protein 1; minus strand). Cytogenetic location: Xq11.2.
Variant type: single nucleotide variant.
Coding change: c.1679G>A on transcript NM_152424.4 (MANE Select); coding-DNA position 1679, G replaced by A.
Protein change: p.Arg560Gln; replaces arginine 560 with glutamine.
Molecular consequence: missense variant.
Genome position (GRCh38, 1-based): chrX:64,191,608, C>T on the plus strand (G>A on the coding strand, the complement: AMER1 is on the minus strand). VCF-style: chrX-64191608-C-T. GRCh37 (hg19) VCF-style: chrX-63411488-C-T.
Other names: short protein forms R560Q.
Identifiers: ClinVar variation 1962302 (VCV001962302.5), dbSNP rs758585592, ClinGen allele CA10432302.

ClinVar aggregate classification (germline): Uncertain significance (1 of 4 stars; one submission).

Allele frequency attached by ClinVar (database versions not stated): gnomAD exomes 0.00001; gnomAD 0.00001; TOPMed 0.00001; ExAC 0.00001.
gnomAD v4.1: 15 of 1,211,115 alleles (0.0012%); highest among the groups gnomAD compares: Admixed American, 0.0043%; no homozygotes.

Submission:

Labcorp Genetics (formerly Invitae), Labcorp
Classification: Uncertain significance. Last evaluated: 2025-04-14. Review status: criteria provided, single submitter. Criteria: Invitae Variant Classification Sherloc (09022015). Collection method: clinical testing. Allele origin: germline.
Comment: This sequence change replaces arginine, which is basic and polar, with glutamine, which is neutral and polar, at codon 560 of the AMER1 protein (p.Arg560Gln). This variant is present in population databases (rs758585592, gnomAD 0.004%), including at least one homozygous and/or hemizygous individual. This variant has not been reported in the literature in individuals affected with AMER1-related conditions. ClinVar contains an entry for this variant (Variation ID: 1962302). An algorithm developed to predict the effect of missense changes on protein structure and function (PolyPhen-2) suggests that this variant is likely to be disruptive. In summary, the available evidence is currently insufficient to determine the role of this variant in disease. Therefore, it has been classified as a Variant of Uncertain Significance.